The following is an entry in ClinVar:

ClinVar aggregate classification (germline): Uncertain significance (1 of 4 stars; one submission).

Allele frequency attached by ClinVar (database versions not stated): TOPMed below 0.00001.

Submission:

CeGaT Center for Human Genetics Tuebingen
Classification: Uncertain significance. Last evaluated: 2022-08-01. Review status: criteria provided, single submitter. Criteria: CeGaT Center For Human Genetics Tuebingen Variant Classification Criteria Version 2. Collection method: clinical testing. Allele origin: germline. Affected: yes. Observed: 1 variant allele.
Comment: KMT2C: PM2, PP3

NM_170606.3(KMT2C):c.13603A>G (p.Ile4535Val)

Gene: KMT2C (lysine methyltransferase 2C; minus strand). Cytogenetic location: 7q36.1.
Variant type: single nucleotide variant.
Coding change: c.13603A>G on transcript NM_170606.3 (MANE Select); coding-DNA position 13603, A replaced by G.
Protein change: p.Ile4535Val; replaces isoleucine 4535 with valine.
Molecular consequence: missense variant.
Genome position (GRCh38, 1-based): chr7:152,148,324, T>C on the plus strand (A>G on the coding strand, the complement: KMT2C is on the minus strand). VCF-style: chr7-152148324-T-C. GRCh37 (hg19) VCF-style: chr7-151845409-T-C.
Other names: short protein forms I4535V.
Identifiers: ClinVar variation 2658194 (VCV002658194.24), dbSNP rs1233624195, ClinGen allele CA370090383.
Genomic context (GRCh38, chr7:152,148,324, plus strand): 5'-AGATGAGGCTACCCACGCGAAAGGTATGGTCCCGTTCTCCTCGTTGCACGATGCTAGCAA[T>C]CTGTCGCACCTCATCACGCTGAACATAGACCCTCCTGAAGACTGCAAAGTAACTTAATTC-3'
Protein context (NP_733751.2, residues 4525-4545): VYVQRDEVRQ[Ile4535Val]ASIVQRGERD